The following is an entry in ClinVar:

NM_000138.5(FBN1):c.1122T>G (p.Pro374=)

Genes: FBN1 (fibrillin 1; minus strand), LOC113939944 (Sharpr-MPRA regulatory region 9539; plus strand). Cytogenetic location: 15q21.1.
Variant type: single nucleotide variant.
Coding change: c.1122T>G on transcript NM_000138.5 (MANE Select); coding-DNA position 1122, T replaced by G.
Protein change: p.Pro374=; no amino-acid change (proline 374 retained).
Molecular consequence: synonymous variant.
Genome position (GRCh38, 1-based): chr15:48,520,684, A>C on the plus strand (T>G on the coding strand, the complement: FBN1 is on the minus strand). VCF-style: chr15-48520684-A-C. GRCh37 (hg19) VCF-style: chr15-48812881-A-C.
Other names: c.1122T>G, p.Pro374= (NM_001406716.1).
Identifiers: ClinVar variation 1694744 (VCV001694744.31), dbSNP rs1351342439, ClinGen allele CA490028468.
Genomic context (GRCh38, chr15:48,520,684, plus strand): 5'-TGGGATATTCTGCAGATAACTGGAAGGGCTCTTACCGGTTGCTCTGATGGGACACATCTC[A>C]GGGGCGACAGTGACCCCTGGAGACCAGCATCGGCCGGCATCACAGCAGCACTGCATTTTG-3'
Protein context (NP_000129.3, residues 364-384): RCWSPGVTVA[Pro374=]EMCPIRATED

ClinVar aggregate classification (germline): Likely benign (1 of 4 stars; one submission).

Submission:

CeGaT Center for Human Genetics Tuebingen
Classification: Likely benign. Last evaluated: 2022-05-01. Review status: criteria provided, single submitter. Criteria: CeGaT Center For Human Genetics Tuebingen Variant Classification Criteria Version 2. Collection method: clinical testing. Allele origin: germline. Affected: yes. Observed: 1 variant allele.
Comment: FBN1: PM2:Supporting, BP4, BP7